The following is an entry in ClinVar:

NM_032119.4(ADGRV1):c.18907G>A (p.Asp6303Asn)

Gene: ADGRV1 (adhesion G protein-coupled receptor V1; plus strand). Cytogenetic location: 5q14.3.
Variant type: single nucleotide variant.
Coding change: c.18907G>A on transcript NM_032119.4 (MANE Select); coding-DNA position 18907, G replaced by A.
Protein change: p.Asp6303Asn; replaces aspartic acid 6303 with asparagine.
Molecular consequence: missense variant. On other transcripts: non-coding transcript variant (1).
Genome position (GRCh38, 1-based): chr5:91,163,886, G>A. VCF-style: chr5-91163886-G-A. GRCh37 (hg19) VCF-style: chr5-90459703-G-A.
Other names: short protein forms D6303N.
Identifiers: ClinVar variation 1196546 (VCV001196546.7), dbSNP rs775367238, ClinGen allele CA3342778.

ClinVar aggregate classification (germline): Uncertain significance. Review status: criteria provided, multiple submitters, no conflicts (2 of 4 stars). 2 submissions from 2 submitters: Uncertain significance (2). Last evaluated 2021-08-30.

Allele frequency attached by ClinVar (database versions not stated): gnomAD exomes below 0.00001 and 0.00001; ExAC 0.00001; TOPMed 0.00002.
gnomAD v4.1: 5 of 1,548,358 alleles (0.00032%); highest among the groups gnomAD compares: South Asian, 0.0023%; no homozygotes.

Submissions (2):

Labcorp Genetics (formerly Invitae), Labcorp
Classification: Uncertain significance. Last evaluated: 2021-08-30. Review status: criteria provided, single submitter. Criteria: Invitae Variant Classification Sherloc (09022015). Collection method: clinical testing. Allele origin: germline.
Comment: This sequence change replaces aspartic acid with asparagine at codon 6303 of the ADGRV1 protein (p.Asp6303Asn). The aspartic acid residue is moderately conserved and there is a small physicochemical difference between aspartic acid and asparagine. This variant is present in population databases (rs775367238, ExAC 0.02%). This variant has not been reported in the literature in individuals affected with ADGRV1-related conditions. Algorithms developed to predict the effect of missense changes on protein structure and function are either unavailable or do not agree on the potential impact of this missense change (SIFT: "Deleterious"; PolyPhen-2: "Possibly Damaging"; Align-GVGD: "Class C0"). In summary, the available evidence is currently insufficient to determine the role of this variant in disease. Therefore, it has been classified as a Variant of Uncertain Significance.

GeneDx
Classification: Uncertain significance. Last evaluated: 2021-05-17. Review status: criteria provided, single submitter. Criteria: GeneDx Variant Classification Process June 2021. Collection method: clinical testing. Allele origin: germline. Affected: yes.
Comment: Not observed at a significant frequency in large population cohorts (Lek et al., 2016); In silico analysis supports that this missense variant has a deleterious effect on protein structure/function; Has not been previously published as pathogenic or benign to our knowledge